The following is an entry in ClinVar:

ClinVar aggregate classification (germline): Uncertain significance (1 of 4 stars; one submission).

Submission:

GeneDx
Classification: Uncertain significance. Last evaluated: 2014-07-30. Review status: criteria provided, single submitter. Criteria: GeneDx Variant Classification (06012015). Collection method: clinical testing. Allele origin: germline. Affected: yes.
Comment: p.Asp138Asn (GAC>AAC): c.412 G>A in exon 4 of the FOLR1 gene (NM_016725.2): A variant of unknown significance has been identified in the FOLR1 gene. The D138N variant has not been published as a mutation, nor has it been reported as a benign polymorphism to our knowledge. It was not observed in approximately 6,500 individuals of European and African American ancestry in the NHLBI Exome Sequencing Project, indicating it is not a common benign variant in these populations. The D138N variant is a a semi-conservative amino acid substitution, which may impact secondary protein structure as these residues differ in some properties. This substitution occurs at a position that is conserved across species. In silico analysis predicts this variant is probably damaging to the protein structure/function. However, missense mutations in nearby residues have not been reported in association with cerebral folate transporter deficiency (CFD). Therefore, based on the currently available information, it is unclear whether this variant is a pathogenic mutation or a rare benign variant. The finding of a single missense variant of unknown clinical significance makes the molecular diagnosis inconclusive, and clinical findings should also be considered in a diagnosis. The variant is found in EPILEPSY panel(s).

NM_016729.3(FOLR1):c.412G>A (p.Asp138Asn)

Genes: FOLR1-AS1 (FOLR1 antisense RNA 1; minus strand), FOLR1 (folate receptor alpha; plus strand). Cytogenetic location: 11q13.4.
Variant type: single nucleotide variant.
Coding change: c.412G>A on transcript NM_016729.3 (MANE Select); coding-DNA position 412, G replaced by A.
Protein change: p.Asp138Asn; replaces aspartic acid 138 with asparagine.
Molecular consequence: missense variant.
Genome position (GRCh38, 1-based): chr11:72,195,666, G>A. VCF-style: chr11-72195666-G-A. GRCh37 (hg19) VCF-style: chr11-71906710-G-A.
Other names: p.D138N:GAC>AAC; c.412G>A, p.Asp138Asn (NM_000802.3, NM_016724.3, NM_016725.3); short protein forms D138N.
Identifiers: ClinVar variation 205455 (VCV000205455.2), dbSNP rs796052442, ClinGen allele CA314544.